The following is an entry in ClinVar:

NM_201548.5(CERKL):c.9G>A (p.Trp3Ter)

Genes: CERKL (CERK like autophagy regulator; minus strand), LOC129935215 (ATAC-STARR-seq lymphoblastoid silent region 12158; plus strand). Cytogenetic location: 2q31.3.
Variant type: single nucleotide variant.
Coding change: c.9G>A on transcript NM_201548.5 (MANE Select); coding-DNA position 9, G replaced by A.
Protein change: p.Trp3Ter; replaces tryptophan 3 with a stop codon.
Molecular consequence: nonsense. On other transcripts: non-coding transcript variant (2).
Genome position (GRCh38, 1-based): chr2:181,656,998, C>T on the plus strand (G>A on the coding strand, the complement: CERKL is on the minus strand). VCF-style: chr2-181656998-C-T. GRCh37 (hg19) VCF-style: chr2-182521725-C-T.
Other names: c.9G>A, p.Trp3Ter (NM_001030311.3, NM_001030312.3, NM_001030313.3 and 1 more transcripts); short protein forms W3*.
Identifiers: ClinVar variation 1453710 (VCV001453710.6), dbSNP rs2105569536, ClinGen allele CA349746009.

ClinVar aggregate classification (germline): Pathogenic (1 of 4 stars; one submission).

Submission:

Labcorp Genetics (formerly Invitae), Labcorp
Classification: Pathogenic. Last evaluated: 2020-12-15. Review status: criteria provided, single submitter. Criteria: Invitae Variant Classification Sherloc (09022015). Collection method: clinical testing. Allele origin: germline.
Comment: For these reasons, this variant has been classified as Pathogenic. This sequence change creates a premature translational stop signal (p.Trp3*) in the CERKL gene. It is expected to result in an absent or disrupted protein product. Loss-of-function variants in CERKL are known to be pathogenic (PMID: 14681825, 24043777). This variant is not present in population databases (ExAC no frequency). This variant has not been reported in the literature in individuals with CERKL-related conditions.

Literature cited by the submitters: PubMed 14681825; PubMed 24043777.